The following is an entry in ClinVar:

NM_002661.5(PLCG2):c.1543G>A (p.Glu515Lys)

Gene: PLCG2 (phospholipase C gamma 2; plus strand). Cytogenetic location: 16q23.3.
Variant type: single nucleotide variant.
Coding change: c.1543G>A on transcript NM_002661.5 (MANE Select); coding-DNA position 1543, G replaced by A.
Protein change: p.Glu515Lys; replaces glutamic acid 515 with lysine.
Molecular consequence: missense variant.
Genome position (GRCh38, 1-based): chr16:81,907,760, G>A. VCF-style: chr16-81907760-G-A. GRCh37 (hg19) VCF-style: chr16-81941365-G-A.
Other names: short protein forms E515K.
Identifiers: ClinVar variation 1700801 (VCV001700801.2), dbSNP rs1909439451, ClinGen allele CA396900001.

ClinVar aggregate classification (germline): Uncertain significance (1 of 4 stars; one submission).

Allele frequency attached by ClinVar (database versions not stated): gnomAD exomes below 0.00001; TOPMed 0.00001.
gnomAD v4.1: 1 of 1,613,374 alleles (0.000062%); highest among the groups gnomAD compares: Non-Finnish European, 0.000085%; no homozygotes.

Submission:

GeneDx
Classification: Uncertain significance. Last evaluated: 2022-02-11. Review status: criteria provided, single submitter. Criteria: GeneDx Variant Classification Process June 2021. Collection method: clinical testing. Allele origin: germline. Affected: yes.
Comment: Not observed at significant frequency in large population cohorts (gnomAD); In silico analysis supports that this missense variant does not alter protein structure/function; Has not been previously published as pathogenic or benign to our knowledge